The following is an entry in ClinVar:

NM_145691.4(ATPAF2):c.721dup (p.Glu241fs)

Gene: ATPAF2 (ATP synthase mitochondrial F1 complex assembly factor 2; minus strand). Cytogenetic location: 17p11.2.
Variant type: Duplication.
Coding change: c.721dup on transcript NM_145691.4 (MANE Select); coding-DNA position 721, one base duplicated (G; older notation c.721dupG).
Protein change: p.Glu241fs; shifts the reading frame from glutamic acid 241.
Molecular consequence: frameshift variant.
Genome position (GRCh38, 1-based): chr17:18,021,134, C duplicated on the plus strand (G on the coding strand, the reverse complement: ATPAF2 is on the minus strand); the first of 2 consecutive C bases (chr17:18,021,134-18,021,135); duplicating either gives the same sequence. VCF-style (leftmost placement, unchanged base first): chr17-18021133-T-TC. GRCh37 (hg19) VCF-style: chr17-17924447-T-TC.
Other names: short protein forms E241fs.
Identifiers: ClinVar variation 2004209 (VCV002004209.4), dbSNP rs2545072445, ClinGen allele CA2580092629.
Genomic context (GRCh38, chr17:18,021,133, plus strand): 5'-TGAGTCTGAACTAGGAAGGGGGAGGCGGGACCTGAGGTGCTGCTCCTCACCTGGTACTCC[T>TC]CCTCCAGGCGTGACAGCAGCACGGCCTGCTCCACTGTCAGGCGCAGGTCAATCAGGCCCA-3'

ClinVar aggregate classification (germline): Uncertain significance (1 of 4 stars; one submission).

Submission:

Labcorp Genetics (formerly Invitae), Labcorp
Classification: Uncertain significance. Last evaluated: 2022-11-28. Review status: criteria provided, single submitter. Criteria: Invitae Variant Classification Sherloc (09022015). Collection method: clinical testing. Allele origin: germline.
Comment: This sequence change creates a premature translational stop signal (p.Glu241Glyfs*12) in the ATPAF2 gene. While this is not anticipated to result in nonsense mediated decay, it is expected to disrupt the last 49 amino acid(s) of the ATPAF2 protein. This variant is not present in population databases (gnomAD no frequency). This variant has not been reported in the literature in individuals affected with ATPAF2-related conditions. In summary, the available evidence is currently insufficient to determine the role of this variant in disease. Therefore, it has been classified as a Variant of Uncertain Significance.